The following is an entry in ClinVar:

ClinVar aggregate classification (germline): Pathogenic. Review status: criteria provided, multiple submitters, no conflicts (2 of 4 stars). 5 submissions from 5 submitters: Pathogenic (4). 1 of the submissions does not count toward it. Last evaluated 2024-03-11.

Conditions:
SMPD1-related disorder. Also called: SMPD1-related condition.
Niemann-Pick disease, type B. Also called: Chronic Visceral ASMD (Niemann-Pick Disease Type B; NPD-B). Identifiers: Orphanet 77293, MedGen C0268243, MONDO:0011871, OMIM 607616. Disease mechanism: loss of function.
Niemann-Pick disease, type A. Also called: SPHINGOMYELIN LIPIDOSIS; SPHINGOMYELINASE DEFICIENCY; Infantile Neurovisceral ASMD (Niemann-Pick Disease Type A; NPD-A). Identifiers: Orphanet 77292, MedGen C0268242, MONDO:0009756, OMIM 257200. Disease mechanism: loss of function.

Submissions (5):

Baylor Genetics
Classification: Pathogenic for Niemann-Pick disease, type A. Last evaluated: 2024-03-11. Review status: criteria provided, single submitter. Criteria: ACMG Guidelines, 2015. Collection method: clinical testing. Allele origin: unknown.

Labcorp Genetics (formerly Invitae), Labcorp
Classification: Pathogenic for Niemann-Pick disease, type B; Niemann-Pick disease, type A. Last evaluated: 2024-02-25. Review status: criteria provided, single submitter. Criteria: Invitae Variant Classification Sherloc (09022015). Collection method: clinical testing. Allele origin: germline.
Comment: This sequence change creates a premature translational stop signal (p.Phe368Valfs*23) in the SMPD1 gene. It is expected to result in an absent or disrupted protein product. Loss-of-function variants in SMPD1 are known to be pathogenic (PMID: 12369017, 15221801). The frequency data for this variant in the population databases is considered unreliable, as metrics indicate poor data quality at this position in the gnomAD database. This premature translational stop signal has been observed in individual(s) with Niemann-Pick disease (PMID: 23356216, 27338287). ClinVar contains an entry for this variant (Variation ID: 553487). For these reasons, this variant has been classified as Pathogenic.

Blueprint Genetics
Classification: Pathogenic for SMPD1-related disorders. Last evaluated: 2019-12-23. Review status: criteria provided, single submitter. Criteria: ACMG Guidelines, 2015. Collection method: clinical testing. Allele origin: germline. Affected: yes. Observed: 1 variant allele.

Foundation for Research in Genetics and Endocrinology, FRIGE's Institute of Human Genetics
Classification: Pathogenic for Niemann-Pick disease, type A; Niemann-Pick disease, type B. Review status: criteria provided, single submitter. Criteria: ACMG Guidelines, 2015. Collection method: clinical testing. Allele origin: germline. Inheritance: Autosomal recessive inheritance. Affected: yes. Observed: 1 compound heterozygote.
Comment: A single base pair insertion in exon 3 of the SMPD1 gene that results in a frameshift and premature truncation of the protein 23 amino acids downstream to codon 368 was detected The observed variant c.1101dup (p.Phe368ValfsTer23) has not been reported in the 1000 genomes and ExAC databases. The in silico prediction of the variant is damaging by MutationTaster2. The reference codon is conserved across species. In summary, the variant meets our criteria to be classified as pathogenic.

Counsyl
Classification: Likely pathogenic for Niemann-Pick disease, type A. Last evaluated: 2017-08-31. Review status: no assertion criteria provided. Collection method: clinical testing. Allele origin: unknown. Not counted in ClinVar's aggregate classification.

Literature cited by the submitters: PubMed 12369017 (cited by Labcorp Genetics (formerly Invitae), Labcorp); PubMed 15221801 (cited by Labcorp Genetics (formerly Invitae), Labcorp); PubMed 23356216 (cited by Labcorp Genetics (formerly Invitae), Labcorp and Counsyl); PubMed 27338287 (cited by Labcorp Genetics (formerly Invitae), Labcorp and Counsyl).

NM_000543.5(SMPD1):c.1101dup (p.Phe368fs)

Gene: SMPD1 (sphingomyelin phosphodiesterase 1; plus strand). Cytogenetic location: 11p15.4.
Variant type: Duplication.
Coding change: c.1101dup on transcript NM_000543.5 (MANE Select); coding-DNA position 1101, one base duplicated (G; older notation c.1101dupG).
Protein change: p.Phe368fs; shifts the reading frame from phenylalanine 368.
Molecular consequence: frameshift variant. On other transcripts: non-coding transcript variant (1), intron variant (1).
Genome position (GRCh38, 1-based): chr11:6,393,225, G duplicated; the last of 6 consecutive G bases (chr11:6,393,220-6,393,225); duplicating any one gives the same sequence. VCF-style (leftmost placement, unchanged base first): chr11-6393219-T-TG. GRCh37 (hg19) VCF-style: chr11-6414449-T-TG.
Other names: p.Phe368ValfsTer23; c.1098dup, p.Phe367fs (NM_001007593.3); c.1101dup, p.Phe368fs (NM_001318087.2); c.180dup, p.Phe61fs (NM_001318088.2); c.1132-392dup (NM_001365135.2); c.1101dupG (NM_000543.4); short protein forms F368fs, F61fs, F367fs.
Identifiers: ClinVar variation 553487 (VCV000553487.15), dbSNP rs1422720020, ClinGen allele CA472736635.
Genomic context (GRCh38, chr11:6,393,219, plus strand): 5'-GCACAGGAGGACCAGGATTGGAACAAGTGTTGACCTCTCATGTTTACTTTGTTTCAGAAT[T>TG]GGGGGGTTCTATGCTCTTTCCCCATACCCCGGTCTCCGCCTCATCTCTCTCAATATGAAT-3'